The following is an entry in ClinVar:

NM_001754.5(RUNX1):c.161A>T (p.Glu54Val)

Gene: RUNX1 (RUNX family transcription factor 1; minus strand). Cytogenetic location: 21q22.12.
Variant type: single nucleotide variant.
Coding change: c.161A>T on transcript NM_001754.5 (MANE Select); coding-DNA position 161, A replaced by T.
Protein change: p.Glu54Val; replaces glutamic acid 54 with valine.
Molecular consequence: missense variant.
Genome position (GRCh38, 1-based): chr21:34,887,033, T>A on the plus strand (A>T on the coding strand, the complement: RUNX1 is on the minus strand). VCF-style: chr21-34887033-T-A. GRCh37 (hg19) VCF-style: chr21-36259330-T-A.
Other names: NM_001754.5(RUNX1):c.161A>T; p.Glu54Val; c.80A>T, p.Glu27Val (NM_001001890.3, NM_001122607.2); short protein forms E27V, E54V.
Identifiers: ClinVar variation 1701950 (VCV001701950.2), dbSNP rs2058004521, ClinGen allele CA410204065.

ClinVar aggregate classification (germline): Uncertain significance. Review status: reviewed by expert panel (3 of 4 stars). 2 submissions from 2 submitters: Uncertain significance (1). 1 of the submissions does not count toward it. Last evaluated 2024-10-29.

Conditions:
Hereditary thrombocytopenia and hematologic cancer predisposition syndrome. Identifiers: Orphanet 71290, MedGen CN281654, MONDO:0011071.
Acute myeloid leukemia (AML). Also called: Leukemia, acute myeloid, somatic; Leukemia, acute myelogenous, somatic; Acute myeloid leukemia, adult; AML adult; Acute non-lymphocytic leukemia; Acute granulocytic leukemia. Identifiers: Orphanet 519, MedGen C0023467, MeSH D015470, MONDO:0018874, OMIM 601626, HP:0004808. Disease mechanism: Constitutively activated FLT3.

Submissions (2):

ClinGen Myeloid Malignancy Variant Curation Expert Panel
Classification: Uncertain significance for Hereditary thrombocytopenia and hematologic cancer predisposition syndrome. Last evaluated: 2024-10-29. Review status: reviewed by expert panel. Criteria: ClinGen MyeloMalig ACMG Specifications v2. Collection method: curation. Allele origin: germline. Inheritance: Autosomal dominant inheritance.
Comment: NM_001754.5(RUNX1):c.161A>T (p.Glu54Val) is a missense variant which is completely absent from population databases with at least 20x coverage for RUNX1 (PM2_supporting). In summary, the clinical significance of this variant is uncertain. ACMG/AMP criteria applied, as specified by the Myeloid Malignancy Variant Curation Expert Panel for RUNX1: PM2_supporting.

Nadeem Sheikh Lab, University of the Punjab
Classification: Pathogenic for Acute Myeloid Leukemia. Review status: no assertion criteria provided. Collection method: clinical testing. Allele origin: somatic. Affected: yes. Not counted in ClinVar's aggregate classification.